The following is an entry in ClinVar:

NM_001365536.1(SCN9A):c.1367T>C (p.Met456Thr)

Genes: SCN1A-AS1 (SCN1A and SCN9A antisense RNA 1; plus strand), SCN9A (sodium voltage-gated channel alpha subunit 9; minus strand). Cytogenetic location: 2q24.3.
Variant type: single nucleotide variant.
Coding change: c.1367T>C on transcript NM_001365536.1 (MANE Select); coding-DNA position 1367, T replaced by C.
Protein change: p.Met456Thr; replaces methionine 456 with threonine.
Molecular consequence: missense variant.
Genome position (GRCh38, 1-based): chr2:166,286,571, A>G on the plus strand (T>C on the coding strand, the complement: SCN9A is on the minus strand). VCF-style: chr2-166286571-A-G. GRCh37 (hg19) VCF-style: chr2-167143081-A-G.
Other names: c.1367T>C, p.Met456Thr (NM_002977.4); short protein forms M456T.
Identifiers: ClinVar variation 1770957 (VCV001770957.2), dbSNP rs2468041230, ClinGen allele CA349084900.

ClinVar aggregate classification (germline): Uncertain significance (1 of 4 stars; one submission).

Conditions:
Inborn genetic diseases. Identifiers: MedGen C0950123, MeSH D030342.

Allele frequency attached by ClinVar (database versions not stated): gnomAD exomes 0.00001.
gnomAD v4.1: 7 of 1,600,130 alleles (0.00044%); highest among the groups gnomAD compares: Non-Finnish European, 0.0006%; no homozygotes.

Submission:

Ambry Genetics
Classification: Uncertain significance for Inborn genetic diseases. Last evaluated: 2021-07-11. Review status: criteria provided, single submitter. Criteria: Ambry Variant Classification Scheme 2023. Collection method: clinical testing. Allele origin: germline.
Comment: The p.M456T variant (also known as c.1367T>C), located in coding exon 10 of the SCN9A gene, results from a T to C substitution at nucleotide position 1367. The methionine at codon 456 is replaced by threonine, an amino acid with similar properties. This amino acid position is conserved. In addition, this alteration is predicted to be tolerated by in silico analysis. Since supporting evidence is limited at this time, the clinical significance of this alteration remains unclear.